The following is an entry in ClinVar:

ClinVar aggregate classification (germline): Uncertain significance. Review status: criteria provided, multiple submitters, no conflicts (2 of 4 stars). 3 submissions from 3 submitters: Uncertain significance (3). Last evaluated 2025-11-05.

Conditions:
Cognitive impairment - coarse facies - heart defects - obesity - pulmonary involvement - short stature - skeletal dysplasia syndrome. Also called: COGNITIVE IMPAIRMENT, COARSE FACIES, HEART DEFECTS, OBESITY, PULMONARY INVOLVEMENT, SHORT STATURE, AND SKELETAL DYSPLASIA; Chops syndrome; AFF4-Related CHOPS Syndrome. Identifiers: Orphanet 444077, MedGen C4085597, MONDO:0014609, OMIM 616368.
AFF4-related disorder. Also called: AFF4-related condition.
Inborn genetic diseases. Identifiers: MedGen C0950123, MeSH D030342.

Allele frequency attached by ClinVar (database versions not stated): ExAC 0.00003; gnomAD 0.00003; TOPMed 0.00005.

Submissions (3):

PreventionGenetics, part of Exact Sciences
Classification: Uncertain significance for AFF4-related condition. Last evaluated: 2025-11-05. Review status: criteria provided, single submitter. Criteria: ACMG Guidelines, 2015. Collection method: clinical testing. Allele origin: germline.
Comment: The AFF4 c.2285A>G variant is predicted to result in the amino acid substitution p.Asn762Ser. To our knowledge, this variant has not been reported in the literature. This variant is reported in 0.0037% of alleles in individuals of European (Non-Finnish) descent in gnomAD. At this time, the clinical significance of this variant is uncertain due to the absence of conclusive functional and genetic evidence.

Ambry Genetics
Classification: Uncertain significance for Inborn genetic diseases. Last evaluated: 2024-11-06. Review status: criteria provided, single submitter. Criteria: Ambry Variant Classification Scheme 2023. Collection method: clinical testing. Allele origin: germline.

Labcorp Genetics (formerly Invitae), Labcorp
Classification: Uncertain significance for Cognitive impairment - coarse facies - heart defects - obesity - pulmonary involvement - short stature - skeletal dysplasia syndrome. Last evaluated: 2024-04-25. Review status: criteria provided, single submitter. Criteria: Invitae Variant Classification Sherloc (09022015). Collection method: clinical testing. Allele origin: germline.
Comment: This sequence change replaces asparagine, which is neutral and polar, with serine, which is neutral and polar, at codon 762 of the AFF4 protein (p.Asn762Ser). This variant is present in population databases (rs573893392, gnomAD 0.004%). This variant has not been reported in the literature in individuals affected with AFF4-related conditions. ClinVar contains an entry for this variant (Variation ID: 2629587). Advanced modeling of protein sequence and biophysical properties (such as structural, functional, and spatial information, amino acid conservation, physicochemical variation, residue mobility, and thermodynamic stability) performed at Invitae indicates that this missense variant is not expected to disrupt AFF4 protein function with a negative predictive value of 80%. In summary, the available evidence is currently insufficient to determine the role of this variant in disease. Therefore, it has been classified as a Variant of Uncertain Significance.

NM_014423.4(AFF4):c.2285A>G (p.Asn762Ser)

Gene: AFF4 (ALF transcription elongation factor 4; minus strand). Cytogenetic location: 5q31.1.
Variant type: single nucleotide variant.
Coding change: c.2285A>G on transcript NM_014423.4 (MANE Select); coding-DNA position 2285, A replaced by G.
Protein change: p.Asn762Ser; replaces asparagine 762 with serine.
Molecular consequence: missense variant.
Genome position (GRCh38, 1-based): chr5:132,896,345, T>C on the plus strand (A>G on the coding strand, the complement: AFF4 is on the minus strand). VCF-style: chr5-132896345-T-C. GRCh37 (hg19) VCF-style: chr5-132232037-T-C.
Other names: short protein forms N762S.
Identifiers: ClinVar variation 2629587 (VCV002629587.5), dbSNP rs573893392, ClinGen allele CA3408974.